The following is an entry in ClinVar:

NM_000038.6(APC):c.5131C>A (p.Pro1711Thr)

Gene: APC (APC regulator of Wnt signaling pathway; plus strand). Cytogenetic location: 5q22.2.
Variant type: single nucleotide variant.
Coding change: c.5131C>A on transcript NM_000038.6 (MANE Select); coding-DNA position 5131, C replaced by A.
Protein change: p.Pro1711Thr; replaces proline 1711 with threonine.
Molecular consequence: missense variant.
Genome position (GRCh38, 1-based): chr5:112,840,725, C>A. VCF-style: chr5-112840725-C-A. GRCh37 (hg19) VCF-style: chr5-112176422-C-A.
Other names: c.4882C>A, p.Pro1628Thr (NM_001407456.1, NM_001407457.1, NM_001407454.1 and 1 more transcripts); c.4828C>A, p.Pro1610Thr (NM_001407458.1, NM_001407459.1, NM_001407460.1 and 1 more transcripts); c.5131C>A, p.Pro1711Thr (NM_001127510.3, NM_001354895.2, NM_001407450.1); c.5077C>A, p.Pro1693Thr (NM_001127511.3); c.5185C>A, p.Pro1729Thr (NM_001354896.2, NM_001407447.1, NM_001407448.1 and 1 more transcripts); c.5161C>A, p.Pro1721Thr (NM_001354897.2); c.5056C>A, p.Pro1686Thr (NM_001354898.2); c.5047C>A, p.Pro1683Thr (NM_001354899.2); and 11 more; short protein forms P1711T, P1729T, P1739T, P1327T, P1620T, P1652T, P1670T, P1704T.
Identifiers: ClinVar variation 1745553 (VCV001745553.2), dbSNP rs762798174, ClinGen allele CA16032543.

ClinVar aggregate classification (germline): Uncertain significance (1 of 4 stars; one submission).

Conditions:
Hereditary cancer-predisposing syndrome. Also called: Hereditary Cancer Syndrome; Neoplastic Syndromes, Hereditary; Tumor predisposition; Hereditary neoplastic syndrome. Identifiers: Orphanet 140162, MedGen C0027672, MeSH D009386, MONDO:0015356.

Submission:

Ambry Genetics
Classification: Uncertain significance for Hereditary cancer-predisposing syndrome. Last evaluated: 2022-08-12. Review status: criteria provided, single submitter. Criteria: Ambry Variant Classification Scheme 2023. Collection method: clinical testing. Allele origin: germline.
Comment: The p.P1711T variant (also known as c.5131C>A), located in coding exon 15 of the APC gene, results from a C to A substitution at nucleotide position 5131. The proline at codon 1711 is replaced by threonine, an amino acid with highly similar properties. This amino acid position is conserved. In addition, in silico predictors for this gene do not accurately predict pathogenicity. Since supporting evidence is limited at this time, the clinical significance of this alteration remains unclear.